The following is an entry in ClinVar:

ClinVar aggregate classification (germline): Uncertain significance (1 of 4 stars; one submission).

Conditions:
LAMA2-related muscular dystrophy (LAMA2-RD). Also called: Laminin alpha 2-related dystrophy. Identifiers: MedGen C5679788, MONDO:0100228.

Submission:

Labcorp Genetics (formerly Invitae), Labcorp
Classification: Uncertain significance for LAMA2-related muscular dystrophy. Last evaluated: 2021-02-21. Review status: criteria provided, single submitter. Criteria: Invitae Variant Classification Sherloc (09022015). Collection method: clinical testing. Allele origin: germline.
Comment: This variant is not present in population databases (ExAC no frequency). In summary, the available evidence is currently insufficient to determine the role of this variant in disease. Therefore, it has been classified as a Variant of Uncertain Significance. Advanced modeling of protein sequence and biophysical properties (such as structural, functional, and spatial information, amino acid conservation, physicochemical variation, residue mobility, and thermodynamic stability) performed at Invitae indicates that this missense variant is not expected to disrupt LAMA2 protein function. This variant has not been reported in the literature in individuals with LAMA2-related conditions. This sequence change replaces proline with leucine at codon 2160 of the LAMA2 protein (p.Pro2160Leu). The proline residue is moderately conserved and there is a moderate physicochemical difference between proline and leucine.

NM_000426.4(LAMA2):c.6479C>T (p.Pro2160Leu)

Gene: LAMA2 (laminin subunit alpha 2; plus strand). Cytogenetic location: 6q22.33.
Variant type: single nucleotide variant.
Coding change: c.6479C>T on transcript NM_000426.4 (MANE Select); coding-DNA position 6479, C replaced by T.
Protein change: p.Pro2160Leu; replaces proline 2160 with leucine.
Molecular consequence: missense variant.
Genome position (GRCh38, 1-based): chr6:129,453,037, C>T. VCF-style: chr6-129453037-C-T. GRCh37 (hg19) VCF-style: chr6-129774182-C-T.
Other names: c.6479C>T, p.Pro2160Leu (NM_001079823.2); short protein forms P2160L.
Identifiers: ClinVar variation 1512438 (VCV001512438.6), dbSNP rs2114788628, ClinGen allele CA365616514.
Genomic context (GRCh38, chr6:129,453,037, plus strand): 5'-TTTTTTTAAAGATCAAAGTATCTGTGTCTTCAGGAGGTGACTGCATTCGAACATACAAAC[C>T]AGAAATCAAGAAAGGAAGTTACAATAATATTGTTGTCAACGTAAAGACAGCTGTTGCTGA-3'
Protein context (NP_000417.3, residues 2150-2170): SGGDCIRTYK[Pro2160Leu]EIKKGSYNNI